The following is an entry in ClinVar:

NM_001079843.3(CASZ1):c.3327C>T (p.Ser1109=)

Gene: CASZ1 (castor zinc finger 1; minus strand). Cytogenetic location: 1p36.22.
Variant type: single nucleotide variant.
Coding change: c.3327C>T on transcript NM_001079843.3 (MANE Select); coding-DNA position 3327, C replaced by T.
Protein change: p.Ser1109=; no amino-acid change (serine 1109 retained).
Molecular consequence: synonymous variant.
Genome position (GRCh38, 1-based): chr1:10,647,971, G>A on the plus strand (C>T on the coding strand, the complement: CASZ1 is on the minus strand). VCF-style: chr1-10647971-G-A. GRCh37 (hg19) VCF-style: chr1-10708028-G-A.
Other names: c.3327C>T, p.Ser1109= (NM_017766.5); c.3327C>T (NM_001079843.2).
Identifiers: ClinVar variation 1528942 (VCV001528942.11), dbSNP rs3790639, ClinGen allele CA584536.

ClinVar aggregate classification (germline): Benign. Review status: criteria provided, multiple submitters, no conflicts (2 of 4 stars). 3 submissions from 3 submitters: Benign (2). 1 of the submissions does not count toward it. Last evaluated 2026-01-29.

Conditions:
CASZ1-related disorder. Also called: CASZ1-related condition.

Allele frequency attached by ClinVar (database versions not stated): gnomAD exomes 0.00421 and 0.00901; ExAC 0.01048; gnomAD 0.01567 and 0.01601; ESP Exome Variant Server 0.01669; TOPMed 0.01721; 1000 Genomes Project 0.02097; 1000 Genomes Project 30x 0.02202.
gnomAD v4.1: 8,630 of 1,609,450 alleles (0.54%); highest among the groups gnomAD compares: African/African-American, 4.3%; 105 homozygotes.

Submissions (3):

Labcorp Genetics (formerly Invitae), Labcorp
Classification: Benign. Last evaluated: 2026-01-29. Review status: criteria provided, single submitter. Criteria: Invitae Variant Classification Sherloc (09022015). Collection method: clinical testing. Allele origin: germline.

Breakthrough Genomics
Classification: Benign. Review status: criteria provided, single submitter. Criteria: ACMG Guidelines, 2015. Collection method: not provided. Allele origin: germline. Inheritance: Unknown mechanism. Affected: yes.

PreventionGenetics, part of Exact Sciences
Classification: Benign for CASZ1-related condition. Last evaluated: 2023-05-19. Review status: no assertion criteria provided. Collection method: clinical testing. Allele origin: germline. Not counted in ClinVar's aggregate classification.
Comment: This variant is classified as benign based on ACMG/AMP sequence variant interpretation guidelines (Richards et al. 2015 PMID: 25741868, with internal and published modifications).